The following is an entry in ClinVar:

ClinVar aggregate classification (germline): Pathogenic (1 of 4 stars; one submission).

Submission:

Labcorp Genetics (formerly Invitae), Labcorp
Classification: Pathogenic. Last evaluated: 2025-05-22. Review status: criteria provided, single submitter. Criteria: Invitae Variant Classification Sherloc (09022015). Collection method: clinical testing. Allele origin: germline.
Comment: This sequence change creates a premature translational stop signal (p.Leu206Alafs*14) in the DOCK6 gene. It is expected to result in an absent or disrupted protein product. Loss-of-function variants in DOCK6 are known to be pathogenic (PMID: 21820096, 25824905). This variant is not present in population databases (gnomAD no frequency). This variant has not been reported in the literature in individuals affected with DOCK6-related conditions. For these reasons, this variant has been classified as Pathogenic.

Literature cited by the submitters: PubMed 21820096; PubMed 25824905.

NM_020812.4(DOCK6):c.616_617del (p.Leu206fs)

Gene: DOCK6 (dedicator of cytokinesis 6; minus strand). Cytogenetic location: 19p13.2.
Variant type: Microsatellite.
Coding change: c.616_617del on transcript NM_020812.4 (MANE Select); coding-DNA positions 616 to 617, 2 bases deleted (CT; older notation c.616_617delCT).
Protein change: p.Leu206fs; shifts the reading frame from leucine 206.
Molecular consequence: frameshift variant.
Genome position (GRCh38, 1-based): chr19:11,250,977-11,250,978, AG deleted on the plus strand (CT on the coding strand, the reverse complement: DOCK6 is on the minus strand); deleting any 2 consecutive bases within chr19:11,250,977-11,250,982 gives the same sequence; the c. name uses the placement nearest the transcript's 3' end. VCF-style (leftmost placement, unchanged base first): chr19-11250976-CAG-C. GRCh37 (hg19) VCF-style: chr19-11361652-CAG-C.
Other names: c.616_617del, p.Leu206fs (NM_001367830.1); short protein forms L206fs.
Identifiers: ClinVar variation 2069357 (VCV002069357.4), dbSNP rs1321312835, ClinGen allele CA2529825485.
Genomic context (GRCh38, chr19:11,250,976, plus strand): 5'-GTGCTGCCGTCGAAGGGTTTCATTGCGCCGGTCCACATCTTCTGGGGCCGCCCGCTCTAG[CAG>C]AGAGGGCAGCAATGAGTCAGCTGCCAGGTTCCTCAGGTCGAAGATGCTAGAGGCACCACT-3'